The following is an entry in ClinVar:

NC_000009.12:g.(?_95446912)_(95508361_?)dup

Gene: PTCH1 (patched 1; minus strand). Cytogenetic location: 9q22.32.
Variant type: Duplication.
Identifiers: ClinVar variation 832906 (VCV000832906.2).

ClinVar aggregate classification (germline): Uncertain significance (1 of 4 stars; one submission).

Conditions:
Gorlin syndrome. Also called: Basal cell nevus syndrome; Nevoid Basal Cell Carcinoma Syndrome. Identifiers: Orphanet 377, MedGen C0004779, MONDO:0007187.

Submission:

Labcorp Genetics (formerly Invitae), Labcorp
Classification: Uncertain significance for Gorlin syndrome. Last evaluated: 2021-09-26. Review status: criteria provided, single submitter. Criteria: Invitae Variant Classification Sherloc (09022015). Collection method: clinical testing. Allele origin: germline.
Comment: A copy number gain of the genomic region encompassing the full coding sequence of the PTCH1 gene has been identified. The boundaries of this event are unknown as they extend beyond the assayed region for this gene and therefore may encompass additional genes. As the precise location of this event is unknown, it may be in tandem or it may be located elsewhere in the genome. Isolated whole-gene copy number gains of PTCH1 have not been reported in the literature. However, larger copy number events that include this gene have been reported (PMID: 18830227, 21567912, 30936464). In summary, the available evidence is currently insufficient to determine the role of this variant in disease. Therefore, it has been classified as a Variant of Uncertain Significance.

Literature cited by the submitters: PubMed 18830227; PubMed 21567912; PubMed 30936464.